The following is an entry in ClinVar:

NM_001281723.2(BTD):c.5delC

Gene: BTD (biotinidase; plus strand). Cytogenetic location: 3p25.1.
Variant type: Deletion.
Coding change: c.5delC on transcript NM_001281723.2; coding-DNA position 5, one base deleted (C).
Molecular consequence: intron variant (on NM_001407365.1).
Genome position (GRCh38, 1-based): chr3:15,601,725, C deleted; the last of 2 consecutive C bases (chr3:15,601,724-15,601,725); deleting either gives the same sequence. VCF-style (leftmost placement, unchanged base first): chr3-15601723-GC-G. GRCh37 (hg19) VCF-style: chr3-15643230-GC-G.
Other names: c.-17+78del (NM_001407365.1).
Identifiers: ClinVar variation 4977970 (VCV004977970.1).

ClinVar aggregate classification (germline): Uncertain significance (1 of 4 stars; one submission).

Conditions:
BTD-related disorder. Also called: BTD-related condition.

Submission:

PreventionGenetics, part of Exact Sciences
Classification: Uncertain significance for BTD-related condition. Last evaluated: 2025-10-28. Review status: criteria provided, single submitter. Criteria: ACMG Guidelines, 2015. Collection method: clinical testing. Allele origin: germline.
Comment: The BTD c.5delC variant is predicted to result in a frameshift and premature protein termination (p.Pro2Glnfs*70). This variant is also described as c.-126delC (Pre-Coding) in the canonical BTD transcript (NM_000060). To our knowledge, this variant has not been reported in the literature. This variant is reported in 0.067% of alleles in individuals of Latino descent in gnomAD. At this time, the clinical significance of this variant is uncertain due to the absence of conclusive functional and genetic evidence.